The following is an entry in ClinVar:

ClinVar aggregate classification (germline): Uncertain significance (1 of 4 stars; one submission).

Conditions:
Alstrom syndrome (ALMS). Identifiers: Orphanet 64, MedGen C0268425, MONDO:0008763, OMIM 203800.

Submission:

Labcorp Genetics (formerly Invitae), Labcorp
Classification: Uncertain significance for Alstrom syndrome. Last evaluated: 2022-03-31. Review status: criteria provided, single submitter. Criteria: Invitae Variant Classification Sherloc (09022015). Collection method: clinical testing. Allele origin: germline.
Comment: This sequence change falls in intron 20 of the ALMS1 gene. It does not directly change the encoded amino acid sequence of the ALMS1 protein. It affects a nucleotide within the consensus splice site. This variant is not present in population databases (gnomAD no frequency). This variant has not been reported in the literature in individuals affected with ALMS1-related conditions. Variants that disrupt the consensus splice site are a relatively common cause of aberrant splicing (PMID: 17576681, 9536098). Experimental studies and prediction algorithms are not available or were not evaluated, and the effect of this variant on mRNA splicing is currently unknown. In summary, the available evidence is currently insufficient to determine the role of this variant in disease. Therefore, it has been classified as a Variant of Uncertain Significance.

Literature cited by the submitters: PubMed 17576681; PubMed 9536098.

NM_001378454.1(ALMS1):c.12298+6C>A

Genes: ALMS1 (ALMS1 centrosome and basal body associated protein; plus strand), LOC126806252 (BRD4-independent group 4 enhancer GRCh37_chr2:73828496-73829695; plus strand). Cytogenetic location: 2p13.1.
Variant type: single nucleotide variant.
Coding change: c.12298+6C>A on transcript NM_001378454.1 (MANE Select); 6 bases into the intron after coding-DNA position 12298, C replaced by A.
Molecular consequence: intron variant.
Genome position (GRCh38, 1-based): chr2:73,602,374, C>A. VCF-style: chr2-73602374-C-A. GRCh37 (hg19) VCF-style: chr2-73829501-C-A.
Other names: c.12298+6C>A (NM_015120.4).
Identifiers: ClinVar variation 2145246 (VCV002145246.2), dbSNP rs2466527277, ClinGen allele CA2580068207.
Genomic context (GRCh38, chr2:73,602,374, plus strand): 5'-ATTGACAGGGAACGGCAGGGCCACCAGAATCGCATGTGCCCGCTGCCCAAGAGAGGTACG[C>A]CCTGCCCGTTCACTTTCCTGTGAGTGGAATAGAGAAGGCAAGGTCTGCTGCTCTGCTGCA-3'